The following is an entry in ClinVar:

ClinVar aggregate classification (germline): Uncertain significance (1 of 4 stars; one submission).

Conditions:
Inborn genetic diseases. Identifiers: MedGen C0950123, MeSH D030342.

gnomAD v4.1: 10 of 1,613,074 alleles (0.00062%); highest among the groups gnomAD compares: Non-Finnish European, 0.00085%; no homozygotes.

Submission:

Ambry Genetics
Classification: Uncertain significance for Inborn genetic diseases. Last evaluated: 2026-06-10. Review status: criteria provided, single submitter. Criteria: Ambry Variant Classification Scheme 2023. Collection method: clinical testing. Allele origin: germline.
Comment: The p.A423P variant (also known as c.1267G>C), located in coding exon 10 of the CEP57 gene, results from a G to C substitution at nucleotide position 1267. The alanine at codon 423 is replaced by proline, an amino acid with highly similar properties. This amino acid position is conserved. In addition, this alteration is predicted to be tolerated by in silico analysis. Based on the available evidence, the clinical significance of this variant remains unclear.

NM_014679.5(CEP57):c.1267G>C (p.Ala423Pro)

Gene: CEP57 (centrosomal protein 57; plus strand). Cytogenetic location: 11q21.
Variant type: single nucleotide variant.
Coding change: c.1267G>C on transcript NM_014679.5 (MANE Select); coding-DNA position 1267, G replaced by C.
Protein change: p.Ala423Pro; replaces alanine 423 with proline.
Molecular consequence: missense variant.
Genome position (GRCh38, 1-based): chr11:95,829,326, G>C. VCF-style: chr11-95829326-G-C. GRCh37 (hg19) VCF-style: chr11-95562490-G-C.
Other names: c.1240G>C, p.Ala414Pro (NM_001243776.2); c.1189G>C, p.Ala397Pro (NM_001243777.2); c.1186G>C, p.Ala396Pro (NM_001363604.2, NM_001440869.1, NM_001440870.1); c.1159G>C, p.Ala387Pro (NM_001440871.1); c.1150G>C, p.Ala384Pro (NM_001440872.1); c.1087G>C, p.Ala363Pro (NM_001440873.1); c.1081G>C, p.Ala361Pro (NM_001440874.1); c.1078G>C, p.Ala360Pro (NM_001440875.1); and 6 more; short protein forms A322P, A324P, A336P, A348P, A357P, A358P, A360P, A361P.
Identifiers: ClinVar variation 4868787 (VCV004868787.1).